The following is an entry in ClinVar:

NM_020779.4(WDR35):c.593T>C (p.Leu198Ser)

Gene: WDR35 (WD repeat domain 35; minus strand). Cytogenetic location: 2p24.1.
Variant type: single nucleotide variant.
Coding change: c.593T>C on transcript NM_020779.4 (MANE Select); coding-DNA position 593, T replaced by C.
Protein change: p.Leu198Ser; replaces leucine 198 with serine.
Molecular consequence: missense variant.
Genome position (GRCh38, 1-based): chr2:19,974,611, A>G on the plus strand (T>C on the coding strand, the complement: WDR35 is on the minus strand). VCF-style: chr2-19974611-A-G. GRCh37 (hg19) VCF-style: chr2-20174372-A-G.
Other names: c.593T>C, p.Leu198Ser (NM_001006657.2); c.593T>C (NM_001006657.1); short protein forms L198S.
Identifiers: ClinVar variation 3585196 (VCV003585196.2).

ClinVar aggregate classification (germline): Uncertain significance. Review status: criteria provided, multiple submitters, no conflicts (2 of 4 stars). 2 submissions from 2 submitters: Uncertain significance (2). Last evaluated 2025-07-28.

Conditions:
Short-rib thoracic dysplasia 7 with or without polydactyly (SRTD7). Also called: Short rib polydactyly syndrome 5; SHORT-RIB THORACIC DYSPLASIA 7 WITH POLYDACTYLY. Identifiers: Orphanet 498497, Orphanet 93271, MedGen C3279792, MONDO:0013569, OMIM 614091.
Cranioectodermal dysplasia 2 (CED2). Identifiers: Orphanet 1515, MedGen C3150874, MONDO:0013323, OMIM 613610.

gnomAD v4.1: 2 of 1,613,700 alleles (0.00012%); highest among the groups gnomAD compares: African/African-American, 0.0027%; no homozygotes.

Submissions (2):

GeneDx
Classification: Uncertain significance. Last evaluated: 2025-07-28. Review status: criteria provided, single submitter. Criteria: GeneDx Variant Classification Process June 2021. Collection method: clinical testing. Allele origin: germline. Affected: yes.
Comment: Not observed at significant frequency in large population cohorts (gnomAD); In silico analysis supports that this missense variant has a deleterious effect on protein structure/function; Has not been previously published as pathogenic or benign to our knowledge

Fulgent Genetics
Classification: Uncertain significance for Cranioectodermal dysplasia 2; Short-rib thoracic dysplasia 7 with or without polydactyly. Last evaluated: 2024-01-31. Review status: criteria provided, single submitter. Criteria: ACMG Guidelines, 2015. Collection method: clinical testing. Allele origin: germline.